The following is an entry in ClinVar:

NM_001384125.1(BLTP1):c.3950G>A (p.Arg1317His)

Gene: BLTP1 (bridge-like lipid transfer protein family member 1; plus strand). Cytogenetic location: 4q27.
Variant type: single nucleotide variant.
Coding change: c.3950G>A on transcript NM_001384125.1 (MANE Select); coding-DNA position 3950, G replaced by A.
Protein change: p.Arg1317His; replaces arginine 1317 with histidine.
Molecular consequence: missense variant.
Genome position (GRCh38, 1-based): chr4:122,239,632, G>A. VCF-style: chr4-122239632-G-A. GRCh37 (hg19) VCF-style: chr4-123160787-G-A.
Other names: c.3950G>A, p.Arg1317His (NM_015312.4); short protein forms R1317H.
Identifiers: ClinVar variation 3134198 (VCV003134198.2), dbSNP rs372137155, ClinGen allele CA3066277.

ClinVar aggregate classification (germline): Uncertain significance. Review status: criteria provided, multiple submitters, no conflicts (2 of 4 stars). 2 submissions from 2 submitters: Uncertain significance (2). Last evaluated 2025-07-22.

gnomAD v4.1: 53 of 1,613,892 alleles (0.0033%); highest among the groups gnomAD compares: South Asian, 0.0044%; no homozygotes.

Submissions (2):

GeneDx
Classification: Uncertain significance. Last evaluated: 2025-07-22. Review status: criteria provided, single submitter. Criteria: GeneDx Variant Classification Process June 2021. Collection method: clinical testing. Allele origin: germline. Affected: yes.
Comment: In silico analysis suggests that this missense variant does not alter protein structure/function; Has not been previously published as pathogenic or benign to our knowledge

Ambry Genetics
Classification: Uncertain significance. Last evaluated: 2022-04-09. Review status: criteria provided, single submitter. Criteria: Ambry Variant Classification Scheme 2023. Collection method: clinical testing. Allele origin: germline.